The following is an entry in ClinVar:

NM_000059.4(BRCA2):c.2759C>G (p.Pro920Arg)

Gene: BRCA2 (BRCA2 DNA repair associated; plus strand). Cytogenetic location: 13q13.1.
Variant type: single nucleotide variant.
Coding change: c.2759C>G on transcript NM_000059.4 (MANE Select); coding-DNA position 2759, C replaced by G.
Protein change: p.Pro920Arg; replaces proline 920 with arginine.
Molecular consequence: missense variant.
Genome position (GRCh38, 1-based): chr13:32,337,114, C>G. VCF-style: chr13-32337114-C-G. GRCh37 (hg19) VCF-style: chr13-32911251-C-G.
Other names: short protein forms P920R.
Identifiers: ClinVar variation 1005400 (VCV001005400.10), dbSNP rs1555282835, ClinGen allele CA387773658.

ClinVar aggregate classification (germline): Conflicting classifications of pathogenicity. Review status: criteria provided, conflicting classifications (1 of 4 stars). 2 submissions from 2 submitters: Uncertain significance (1); Likely benign (1). Last evaluated 2025-12-10.

Conditions:
Hereditary cancer-predisposing syndrome. Also called: Hereditary neoplastic syndrome; Neoplastic Syndromes, Hereditary; Tumor predisposition; Hereditary Cancer Syndrome. Identifiers: Orphanet 140162, MedGen C0027672, MeSH D009386, MONDO:0015356.
Hereditary breast ovarian cancer syndrome. Also called: Hereditary breast and/or ovarian cancer syndrome; Hereditary breast and ovarian cancer syndrome; Hereditary breast and ovarian cancer syndrome (HBOC); Breast and ovarian cancer; BRCA1- and BRCA2-Associated Hereditary Breast and Ovarian Cancer; Hereditary breast and ovarian cancer. Identifiers: Orphanet 145, MedGen C0677776, MeSH D061325, MONDO:0003582. Disease mechanism: loss of function.

Submissions (2):

Labcorp Genetics (formerly Invitae), Labcorp
Classification: Uncertain significance for Hereditary breast ovarian cancer syndrome. Last evaluated: 2025-12-10. Review status: criteria provided, single submitter. Criteria: Invitae Variant Classification Sherloc (09022015). Collection method: clinical testing. Allele origin: germline.
Comment: This sequence change replaces proline, which is neutral and non-polar, with arginine, which is basic and polar, at codon 920 of the BRCA2 protein (p.Pro920Arg). This variant is not present in population databases (gnomAD no frequency). This variant has not been reported in the literature in individuals affected with BRCA2-related conditions. ClinVar contains an entry for this variant (Variation ID: 1005400). Invitae Evidence Modeling of protein sequence and biophysical properties (such as structural, functional, and spatial information, amino acid conservation, physicochemical variation, residue mobility, and thermodynamic stability) indicates that this missense variant is not expected to disrupt BRCA2 protein function with a negative predictive value of 95%. In summary, the available evidence is currently insufficient to determine the role of this variant in disease. Therefore, it has been classified as a Variant of Uncertain Significance.

University of Washington Department of Laboratory Medicine, University of Washington
Classification: Likely benign for Hereditary cancer-predisposing syndrome. Last evaluated: 2023-03-23. Review status: criteria provided, single submitter. Criteria: Dines et al. (Genet Med. 2020). Collection method: curation. Allele origin: germline.
Comment: Missense variant in a coldspot region where missense variants are very unlikely to be pathogenic (PMID:31911673).

BRCA2 exon 11 coldspot. Reclassification based on statistical prior probability.